The following is an entry in ClinVar:

NM_177550.5(SLC13A5):c.499G>A (p.Glu167Lys)

Gene: SLC13A5 (solute carrier family 13 member 5; minus strand). Cytogenetic location: 17p13.1.
Variant type: single nucleotide variant.
Coding change: c.499G>A on transcript NM_177550.5 (MANE Select); coding-DNA position 499, G replaced by A.
Protein change: p.Glu167Lys; replaces glutamic acid 167 with lysine.
Molecular consequence: missense variant.
Genome position (GRCh38, 1-based): chr17:6,703,926, C>T on the plus strand (G>A on the coding strand, the complement: SLC13A5 is on the minus strand). VCF-style: chr17-6703926-C-T. GRCh37 (hg19) VCF-style: chr17-6607245-C-T.
Other names: c.499G>A, p.Glu167Lys (NM_001143838.3); c.448G>A, p.Glu150Lys (NM_001284509.2); c.370G>A, p.Glu124Lys (NM_001284510.2); c.499G>A (NM_177550.3); short protein forms E150K, E124K, E167K.
Identifiers: ClinVar variation 662431 (VCV000662431.9), dbSNP rs373010067, ClinGen allele CA8331698.
Genomic context (GRCh38, chr17:6,703,926, plus strand): 5'-CCAGGGGCTCACCTGGCAGCTCCTTGGCCTTGCCCTTGTCCACCAGCTCCAGGCCGGCCT[C>T]GGTGGCTGCGCTTGTGGCTTCCATCTGCTGCAATATGGCCTCCACGATGGGCACCATCAT-3'
Protein context (NP_808218.1, residues 157-177): QQMEATSAAT[Glu167Lys]AGLELVDKGK

ClinVar aggregate classification (germline): Uncertain significance. Review status: criteria provided, multiple submitters, no conflicts (2 of 4 stars). 3 submissions from 3 submitters: Uncertain significance (3). Last evaluated 2024-10-16.

Conditions:
Developmental and epileptic encephalopathy, 25 (DEE25). Also called: Epileptic encephalopathy, early infantile, 25; Developmental and epileptic encephalopathy 25, with amelogenesis imperfecta; Epileptic encephalopathy, early infantile, 25, with amelogenesis imperfecta. Identifiers: Orphanet 442835, MedGen C4014621, MONDO:0014392, OMIM 615905.
Inborn genetic diseases. Identifiers: MedGen C0950123, MeSH D030342.

Allele frequency attached by ClinVar (database versions not stated): TOPMed 0.00002; ExAC 0.00003; gnomAD 0.00003; gnomAD exomes 0.00003; ESP Exome Variant Server 0.00008; 1000 Genomes Project 0.00020; 1000 Genomes Project 30x 0.00031.
gnomAD v4.1: 53 of 1,597,488 alleles (0.0033%); highest among the groups gnomAD compares: Non-Finnish European, 0.0041%; no homozygotes.

Submissions (3):

Labcorp Genetics (formerly Invitae), Labcorp
Classification: Uncertain significance for Developmental and epileptic encephalopathy, 25. Last evaluated: 2024-10-16. Review status: criteria provided, single submitter. Criteria: Invitae Variant Classification Sherloc (09022015). Collection method: clinical testing. Allele origin: germline.
Comment: This sequence change replaces glutamic acid, which is acidic and polar, with lysine, which is basic and polar, at codon 167 of the SLC13A5 protein (p.Glu167Lys). This variant is present in population databases (rs373010067, gnomAD 0.006%). This variant has not been reported in the literature in individuals affected with SLC13A5-related conditions. ClinVar contains an entry for this variant (Variation ID: 662431). An algorithm developed to predict the effect of missense changes on protein structure and function (PolyPhen-2) suggests that this variant¬†is likely to be tolerated. In summary, the available evidence is currently insufficient to determine the role of this variant in disease. Therefore, it has been classified as a Variant of Uncertain Significance.

Ambry Genetics
Classification: Uncertain significance for Inborn genetic diseases. Last evaluated: 2024-01-23. Review status: criteria provided, single submitter. Criteria: Ambry Variant Classification Scheme 2023. Collection method: clinical testing. Allele origin: germline.

Blueprint Genetics
Classification: Uncertain significance. Last evaluated: 2023-07-24. Review status: criteria provided, single submitter. Criteria: ACMG Guidelines, 2015. Collection method: clinical testing. Allele origin: germline.